The following is an entry in ClinVar:

NM_031407.7(HUWE1):c.4223G>A (p.Arg1408Gln)

Gene: HUWE1 (HECT, UBA and WWE domain containing E3 ubiquitin protein ligase 1; minus strand). Cytogenetic location: Xp11.22.
Variant type: single nucleotide variant.
Coding change: c.4223G>A on transcript NM_031407.7 (MANE Select); coding-DNA position 4223, G replaced by A.
Protein change: p.Arg1408Gln; replaces arginine 1408 with glutamine.
Molecular consequence: missense variant.
Genome position (GRCh38, 1-based): chrX:53,589,785, C>T on the plus strand (G>A on the coding strand, the complement: HUWE1 is on the minus strand). VCF-style: chrX-53589785-C-T. GRCh37 (hg19) VCF-style: chrX-53616745-C-T.
Other names: short protein forms R1408Q.
Identifiers: ClinVar variation 3628604 (VCV003628604.3).
Genomic context (GRCh38, chrX:53,589,785, plus strand): 5'-GCATCCTGGAACTTCTCTAGACATTTAGCCTCTTCCTCCTCCTGCTTTTCCCGAGCTTTC[C>T]GTTCCTCTTCCTCCTTCCGGCAAGCAACTTCCTGGAAGCAGGGAAGGAAGTGTGAATAAT-3'
Protein context (NP_113584.3, residues 1398-1418): EVACRKEEEE[Arg1408Gln]KAREKQEEEE

ClinVar aggregate classification (germline): Uncertain significance. Review status: criteria provided, multiple submitters, no conflicts (2 of 4 stars). 2 submissions from 2 submitters: Uncertain significance (2). Last evaluated 2026-04-23.

gnomAD v4.1: 20 of 1,208,040 alleles (0.0017%); highest among the groups gnomAD compares: Admixed American, 0.0022%; no homozygotes.

Submissions (2):

Women's Health and Genetics/Laboratory Corporation of America, LabCorp
Classification: Uncertain significance. Last evaluated: 2026-04-23. Review status: criteria provided, single submitter. Criteria: LabCorp Variant Classification Summary - May 2015. Collection method: clinical testing. Allele origin: germline.
Comment: Variant summary: HUWE1 c.4223G>A (p.Arg1408Gln) results in a conservative amino acid change in the encoded protein sequence. Algorithms developed to predict the effect of missense changes on protein structure and function are either unavailable or do not agree on the potential impact of this missense change. The variant allele was found at a frequency of 5.6e-06 in 178196 control chromosomes. The available data on variant occurrences in the general population are insufficient to allow any conclusion about variant significance. To our knowledge, no occurrence of c.4223G>A in individuals affected with HUWE1-related conditions and no experimental evidence demonstrating its impact on protein function have been reported. ClinVar contains an entry for this variant (Variation ID: 3628604). Based on the evidence outlined above, the variant was classified as uncertain significance.

Labcorp Genetics (formerly Invitae), Labcorp
Classification: Uncertain significance. Last evaluated: 2024-08-28. Review status: criteria provided, single submitter. Criteria: Invitae Variant Classification Sherloc (09022015). Collection method: clinical testing. Allele origin: germline.
Comment: This sequence change replaces arginine, which is basic and polar, with glutamine, which is neutral and polar, at codon 1408 of the HUWE1 protein (p.Arg1408Gln). This variant is present in population databases (rs181309289, gnomAD 0.004%). This variant has not been reported in the literature in individuals affected with HUWE1-related conditions. Invitae Evidence Modeling of protein sequence and biophysical properties (such as structural, functional, and spatial information, amino acid conservation, physicochemical variation, residue mobility, and thermodynamic stability) has been performed for this missense variant. However, the output from this modeling did not meet the statistical confidence thresholds required to predict the impact of this variant on HUWE1 protein function. In summary, the available evidence is currently insufficient to determine the role of this variant in disease. Therefore, it has been classified as a Variant of Uncertain Significance.